The following is an entry in ClinVar:

ClinVar aggregate classification (germline): Pathogenic (1 of 4 stars; one submission).

Conditions:
Hereditary cancer-predisposing syndrome. Also called: Hereditary Cancer Syndrome; Neoplastic Syndromes, Hereditary; Hereditary neoplastic syndrome; Tumor predisposition. Identifiers: Orphanet 140162, MedGen C0027672, MeSH D009386, MONDO:0015356.

Submission:

Ambry Genetics
Classification: Pathogenic for Hereditary cancer-predisposing syndrome. Last evaluated: 2016-04-20. Review status: criteria provided, single submitter. Criteria: Ambry Variant Classification Scheme 2023. Collection method: clinical testing. Allele origin: germline.
Comment: The c.746+1G>C intronic pathogenic mutation results from a G to C substitution one nucleotide after coding exon 5 of the PTCH1 gene. Since alterations that disrupt the canonical splice donor site are typically deleterious in nature, this alteration is interpreted as a disease-causing mutation (ACMG Recommendations for Standards for Interpretation and Reporting of Sequence Variations. Revision 2007. Genet Med. 2008;10:294).

NM_000264.5(PTCH1):c.746+1G>C

Gene: PTCH1 (patched 1; minus strand). Cytogenetic location: 9q22.32.
Variant type: single nucleotide variant.
Coding change: c.746+1G>C on transcript NM_000264.5 (MANE Select); the canonical splice donor site of the intron after coding-DNA position 746, G replaced by C.
Molecular consequence: splice donor variant. On other transcripts: synonymous variant (1).
Genome position (GRCh38, 1-based): chr9:95,481,948, C>G on the plus strand (G>C on the coding strand, the complement: PTCH1 is on the minus strand). VCF-style: chr9-95481948-C-G. GRCh37 (hg19) VCF-style: chr9-98244230-C-G.
Other names: c.549G>C, p.Leu183= (NM_001354919.2); c.743+1G>C (NM_001083603.3); c.548+1G>C (NM_001083602.3); c.746+1G>C (NM_001354918.2); c.293+1G>C (NM_001083605.3, NM_001083604.3, NM_001083606.3 and 1 more transcripts).
Identifiers: ClinVar variation 428848 (VCV000428848.5), dbSNP rs1131690994, ClinGen allele CA374114788.